The following is an entry in ClinVar:

ClinVar aggregate classification (germline): Uncertain significance (1 of 4 stars; one submission).

Allele frequency attached by ClinVar (database versions not stated): TOPMed below 0.00001; gnomAD 0.00001; gnomAD exomes 0.00001.
gnomAD v4.1: 11 of 1,567,156 alleles (0.0007%); highest among the groups gnomAD compares: Non-Finnish European, 0.00096%; no homozygotes.

Submission:

Labcorp Genetics (formerly Invitae), Labcorp
Classification: Uncertain significance. Last evaluated: 2021-09-17. Review status: criteria provided, single submitter. Criteria: Invitae Variant Classification Sherloc (09022015). Collection method: clinical testing. Allele origin: germline.
Comment: This variant has not been reported in the literature in individuals affected with MKL1-related conditions. In summary, the available evidence is currently insufficient to determine the role of this variant in disease. Therefore, it has been classified as a Variant of Uncertain Significance. Algorithms developed to predict the effect of missense changes on protein structure and function (SIFT, PolyPhen-2, Align-GVGD) all suggest that this variant is likely to be disruptive. This variant is not present in population databases (ExAC no frequency). This sequence change replaces glycine with tryptophan at codon 823 of the MKL1 protein (p.Gly823Trp). The glycine residue is highly conserved and there is a large physicochemical difference between glycine and tryptophan.

NM_020831.6(MRTFA):c.2767G>T (p.Gly923Trp)

Gene: MRTFA (myocardin related transcription factor A; minus strand). Cytogenetic location: 22q13.1.
Variant type: single nucleotide variant.
Coding change: c.2767G>T on transcript NM_020831.6 (MANE Select); coding-DNA position 2767, G replaced by T.
Protein change: p.Gly923Trp; replaces glycine 923 with tryptophan.
Molecular consequence: missense variant. On other transcripts: 3 prime UTR variant (1).
Genome position (GRCh38, 1-based): chr22:40,411,719, C>A on the plus strand (G>T on the coding strand, the complement: MRTFA is on the minus strand). VCF-style: chr22-40411719-C-A. GRCh37 (hg19) VCF-style: chr22-40807723-C-A.
Other names: c.2467G>T, p.Gly823Trp (NM_001282660.2); c.2617G>T, p.Gly873Trp (NM_001282661.3); c.*80G>T (NM_001282662.3); c.2572G>T, p.Gly858Trp (NM_001318139.2); short protein forms G823W, G858W, G873W, G923W.
Identifiers: ClinVar variation 1682924 (VCV001682924.6), dbSNP rs2052544709, ClinGen allele CA411653584.